The following is an entry in ClinVar:

NM_205768.3(ZBTB18):c.1250A>G (p.Asn417Ser)

Gene: ZBTB18 (zinc finger and BTB domain containing 18; plus strand). Cytogenetic location: 1q44.
Variant type: single nucleotide variant.
Coding change: c.1250A>G on transcript NM_205768.3 (MANE Select); coding-DNA position 1250, A replaced by G.
Protein change: p.Asn417Ser; replaces asparagine 417 with serine.
Molecular consequence: missense variant. On other transcripts: 3 prime UTR variant (1).
Genome position (GRCh38, 1-based): chr1:244,055,024, A>G. VCF-style: chr1-244055024-A-G. GRCh37 (hg19) VCF-style: chr1-244218326-A-G.
Other names: c.1250A>G (NM_205768.2); c.1223A>G, p.Asn408Ser (NM_001278196.2, NM_006352.5); c.*427A>G (NM_001421566.1); short protein forms N408S, N417S.
Identifiers: ClinVar variation 2905129 (VCV002905129.4), dbSNP rs778135558, ClinGen allele CA41081541.

ClinVar aggregate classification (germline): Uncertain significance. Review status: criteria provided, multiple submitters, no conflicts (2 of 4 stars). 2 submissions from 2 submitters: Uncertain significance (2). Last evaluated 2025-11-09.

Conditions:
Inborn genetic diseases. Identifiers: MedGen C0950123, MeSH D030342.

Allele frequency attached by ClinVar (database versions not stated): gnomAD 0.00001.
gnomAD v4.1: 12 of 1,614,070 alleles (0.00074%); highest among the groups gnomAD compares: Middle Eastern, 0.016%; no homozygotes.

Submissions (2):

Labcorp Genetics (formerly Invitae), Labcorp
Classification: Uncertain significance. Last evaluated: 2025-11-09. Review status: criteria provided, single submitter. Criteria: Invitae Variant Classification Sherloc (09022015). Collection method: clinical testing. Allele origin: germline.
Comment: This sequence change replaces asparagine, which is neutral and polar, with serine, which is neutral and polar, at codon 417 of the ZBTB18 protein (p.Asn417Ser). This variant is not present in population databases (gnomAD no frequency). This variant has not been reported in the literature in individuals affected with ZBTB18-related conditions. ClinVar contains an entry for this variant (Variation ID: 2905129). Invitae Evidence Modeling of protein sequence and biophysical properties (such as structural, functional, and spatial information, amino acid conservation, physicochemical variation, residue mobility, and thermodynamic stability) indicates that this missense variant is not expected to disrupt ZBTB18 protein function with a negative predictive value of 95%. In summary, the available evidence is currently insufficient to determine the role of this variant in disease. Therefore, it has been classified as a Variant of Uncertain Significance.

Ambry Genetics
Classification: Uncertain significance for Inborn genetic diseases. Last evaluated: 2025-01-20. Review status: criteria provided, single submitter. Criteria: Ambry Variant Classification Scheme 2023. Collection method: clinical testing. Allele origin: germline.